The following is an entry in ClinVar:

NM_005591.4(MRE11):c.2071G>T (p.Asp691Tyr)

Gene: MRE11 (MRE11 double strand break repair nuclease; minus strand). Cytogenetic location: 11q21.
Variant type: single nucleotide variant.
Coding change: c.2071G>T on transcript NM_005591.4 (MANE Select); coding-DNA position 2071, G replaced by T.
Protein change: p.Asp691Tyr; replaces aspartic acid 691 with tyrosine.
Molecular consequence: missense variant.
Genome position (GRCh38, 1-based): chr11:94,420,181, C>A on the plus strand (G>T on the coding strand, the complement: MRE11 is on the minus strand). VCF-style: chr11-94420181-C-A. GRCh37 (hg19) VCF-style: chr11-94153347-C-A.
Other names: c.2068G>T, p.Asp690Tyr (NM_001330347.2); c.1987G>T, p.Asp663Tyr (NM_005590.4); short protein forms D663Y, D690Y, D691Y.
Identifiers: ClinVar variation 1800381 (VCV001800381.2), dbSNP rs576011802, ClinGen allele CA382372622.

ClinVar aggregate classification (germline): Uncertain significance (1 of 4 stars; one submission).

Conditions:
Hereditary cancer-predisposing syndrome. Also called: Neoplastic Syndromes, Hereditary; Tumor predisposition; Hereditary Cancer Syndrome; Hereditary neoplastic syndrome. Identifiers: Orphanet 140162, MedGen C0027672, MeSH D009386, MONDO:0015356.

Submission:

Ambry Genetics
Classification: Uncertain significance for Hereditary cancer-predisposing syndrome. Last evaluated: 2017-11-29. Review status: criteria provided, single submitter. Criteria: Ambry Variant Classification Scheme 2023. Collection method: clinical testing. Allele origin: germline.
Comment: The p.D691Y variant (also known as c.2071G>T) is located in coding exon 19 of the MRE11A gene. The aspartic acid at codon 691 is replaced by tyrosine, an amino acid with highly dissimilar properties. This change occurs in the first base pair of coding exon 19. This amino acid position is well conserved in available vertebrate species. In addition, the in silico prediction for this alteration is inconclusive. Since supporting evidence is limited at this time, the clinical significance of this alteration remains unclear.